The following is an entry in ClinVar:

NM_001197104.2(KMT2A):c.1099A>G (p.Thr367Ala)

Gene: KMT2A (lysine methyltransferase 2A; plus strand). Cytogenetic location: 11q23.3.
Variant type: single nucleotide variant.
Coding change: c.1099A>G on transcript NM_001197104.2 (MANE Select); coding-DNA position 1099, A replaced by G.
Protein change: p.Thr367Ala; replaces threonine 367 with alanine.
Molecular consequence: missense variant.
Genome position (GRCh38, 1-based): chr11:118,472,258, A>G. VCF-style: chr11-118472258-A-G. GRCh37 (hg19) VCF-style: chr11-118342973-A-G.
Other names: c.1198A>G, p.Thr400Ala (NM_001412597.1); c.1099A>G, p.Thr367Ala (NM_005933.4); short protein forms T400A, T367A.
Identifiers: ClinVar variation 1944480 (VCV001944480.5), dbSNP rs782388617, ClinGen allele CA6303370.

ClinVar aggregate classification (germline): Uncertain significance (1 of 4 stars; one submission).

Allele frequency attached by ClinVar (database versions not stated): gnomAD exomes below 0.00001; ExAC 0.00001.
gnomAD v4.1: 2 of 1,614,140 alleles (0.00012%); highest among the groups gnomAD compares: South Asian, 0.0011%; no homozygotes.

Submission:

Labcorp Genetics (formerly Invitae), Labcorp
Classification: Uncertain significance. Last evaluated: 2022-05-28. Review status: criteria provided, single submitter. Criteria: Invitae Variant Classification Sherloc (09022015). Collection method: clinical testing. Allele origin: germline.
Comment: In summary, the available evidence is currently insufficient to determine the role of this variant in disease. Therefore, it has been classified as a Variant of Uncertain Significance. Algorithms developed to predict the effect of missense changes on protein structure and function are either unavailable or do not agree on the potential impact of this missense change (SIFT: "Deleterious"; PolyPhen-2: "Probably Damaging"; Align-GVGD: "Class C0"). This variant has not been reported in the literature in individuals affected with KMT2A-related conditions. This variant is present in population databases (rs782388617, gnomAD 0.007%). This sequence change replaces threonine, which is neutral and polar, with alanine, which is neutral and non-polar, at codon 367 of the KMT2A protein (p.Thr367Ala).